The following is an entry in ClinVar:

ClinVar aggregate classification (germline): Uncertain significance. Review status: criteria provided, multiple submitters, no conflicts (2 of 4 stars). 2 submissions from 2 submitters: Uncertain significance (2). Last evaluated 2025-12-18.

Conditions:
Hereditary cancer-predisposing syndrome. Also called: Hereditary neoplastic syndrome; Tumor predisposition; Neoplastic Syndromes, Hereditary; Hereditary Cancer Syndrome. Identifiers: Orphanet 140162, MedGen C0027672, MeSH D009386, MONDO:0015356.
Carney complex, type 1 (CNC1). Also called: CARNEY COMPLEX, TYPE I; CARNEY MYXOMA-ENDOCRINE COMPLEX. Identifiers: Orphanet 1359, MedGen C2607929, MONDO:0008057, OMIM 160980.

Allele frequency attached by ClinVar (database versions not stated): gnomAD exomes below 0.00001; ExAC 0.00001.
gnomAD v4.1: 1 of 1,613,258 alleles (0.000062%); highest among the groups gnomAD compares: East Asian, 0.0022%; no homozygotes.

Submissions (2):

Ambry Genetics
Classification: Uncertain significance for Hereditary cancer-predisposing syndrome. Last evaluated: 2025-12-18. Review status: criteria provided, single submitter. Criteria: Ambry Variant Classification Scheme 2023. Collection method: clinical testing. Allele origin: germline.
Comment: The p.T40A variant (also known as c.118A>G), located in coding exon 1 of the PRKAR1A gene, results from an A to G substitution at nucleotide position 118. The threonine at codon 40 is replaced by alanine, an amino acid with similar properties. This amino acid position is conserved. In addition, the in silico prediction for this alteration is inconclusive. Based on the available evidence, the clinical significance of this variant remains unclear.

Labcorp Genetics (formerly Invitae), Labcorp
Classification: Uncertain significance for Carney complex, type 1. Last evaluated: 2025-05-25. Review status: criteria provided, single submitter. Criteria: Invitae Variant Classification Sherloc (09022015). Collection method: clinical testing. Allele origin: germline.
Comment: This sequence change replaces threonine, which is neutral and polar, with alanine, which is neutral and non-polar, at codon 40 of the PRKAR1A protein (p.Thr40Ala). This variant is present in population databases (rs758013363, gnomAD 0.006%). This variant has not been reported in the literature in individuals affected with PRKAR1A-related conditions. ClinVar contains an entry for this variant (Variation ID: 1383406). Invitae Evidence Modeling of protein sequence and biophysical properties (such as structural, functional, and spatial information, amino acid conservation, physicochemical variation, residue mobility, and thermodynamic stability) indicates that this missense variant is not expected to disrupt PRKAR1A protein function with a negative predictive value of 95%. In summary, the available evidence is currently insufficient to determine the role of this variant in disease. Therefore, it has been classified as a Variant of Uncertain Significance.

NM_002734.5(PRKAR1A):c.118A>G (p.Thr40Ala)

Gene: PRKAR1A (protein kinase cAMP-dependent type I regulatory subunit alpha; plus strand). Cytogenetic location: 17q24.2.
Variant type: single nucleotide variant.
Coding change: c.118A>G on transcript NM_002734.5 (MANE Select); coding-DNA position 118, A replaced by G.
Protein change: p.Thr40Ala; replaces threonine 40 with alanine.
Molecular consequence: missense variant.
Genome position (GRCh38, 1-based): chr17:68,515,517, A>G. VCF-style: chr17-68515517-A-G. GRCh37 (hg19) VCF-style: chr17-66511658-A-G.
Other names: c.118A>G, p.Thr40Ala (NM_001276289.2, NM_001276290.1, NM_001278433.2 and 4 more transcripts); short protein forms T40A.
Identifiers: ClinVar variation 1383406 (VCV001383406.9), dbSNP rs758013363, ClinGen allele CA8729160.